The following is an entry in ClinVar:

ClinVar aggregate classification (germline): Uncertain significance (1 of 4 stars; one submission).

Submission:

Labcorp Genetics (formerly Invitae), Labcorp
Classification: Uncertain significance. Last evaluated: 2022-08-10. Review status: criteria provided, single submitter. Criteria: Invitae Variant Classification Sherloc (09022015). Collection method: clinical testing. Allele origin: germline.
Comment: Advanced modeling of protein sequence and biophysical properties (such as structural, functional, and spatial information, amino acid conservation, physicochemical variation, residue mobility, and thermodynamic stability) performed at Invitae indicates that this missense variant is not expected to disrupt NSD1 protein function. This sequence change replaces cysteine, which is neutral and slightly polar, with serine, which is neutral and polar, at codon 442 of the NSD1 protein (p.Cys442Ser). This variant is not present in population databases (gnomAD no frequency). This variant has not been reported in the literature in individuals affected with NSD1-related conditions. In summary, the available evidence is currently insufficient to determine the role of this variant in disease. Therefore, it has been classified as a Variant of Uncertain Significance.

NM_022455.5(NSD1):c.1325G>C (p.Cys442Ser)

Gene: NSD1 (nuclear receptor binding SET domain protein 1; plus strand). Cytogenetic location: 5q35.3.
Variant type: single nucleotide variant.
Coding change: c.1325G>C on transcript NM_022455.5 (MANE Select); coding-DNA position 1325, G replaced by C.
Protein change: p.Cys442Ser; replaces cysteine 442 with serine.
Molecular consequence: missense variant.
Genome position (GRCh38, 1-based): chr5:177,209,724, G>C. VCF-style: chr5-177209724-G-C. GRCh37 (hg19) VCF-style: chr5-176636725-G-C.
Other names: c.452G>C, p.Cys151Ser (NM_001365684.2, NM_172349.5, NM_001409306.1 and 3 more transcripts); c.1325G>C, p.Cys442Ser (NM_001409301.1, NM_001409302.1, NM_001409303.1); c.905G>C, p.Cys302Ser (NM_001409304.1); c.572G>C, p.Cys191Ser (NM_001409305.1); short protein forms C151S, C173S, C191S, C302S, C442S.
Identifiers: ClinVar variation 1715593 (VCV001715593.6), dbSNP rs1763180633, ClinGen allele CA362308609.
Genomic context (GRCh38, chr5:177,209,724, plus strand): 5'-AAGCCAGTGTTGGACTTGCAGAACAGTATGATGTTCCCAAGGGGTCAAAGAACCGAAAAT[G>C]TATTCCTGGTTCAATCAAGTTGGACAGTGAAGAAGATATGCCATTTGAAGACTGCACAAA-3'
Protein context (NP_071900.2, residues 432-452): DVPKGSKNRK[Cys442Ser]IPGSIKLDSE